The following is an entry in ClinVar:

ClinVar aggregate classification (germline): Pathogenic. Review status: criteria provided, single submitter (1 of 4 stars). 2 submissions from 2 submitters: Pathogenic (1). 1 of the submissions does not count toward it. Last evaluated 2022-09-01.

Conditions:
Neuromuscular disease caused by qualitative or quantitative defects of dysferlin. Also called: Dysferlinopathy; Qualitative or quantitative defects of dysferlin. Identifiers: Orphanet 207073, MedGen C2931687, MONDO:0016145.
Autosomal recessive limb-girdle muscular dystrophy type 2B (LGMDR2). Also called: MUSCULAR DYSTROPHY, LIMB-GIRDLE, AUTOSOMAL RECESSIVE 2; MUSCULAR DYSTROPHY, LIMB-GIRDLE, TYPE 3; Limb-girdle muscular dystrophy, type 2B; Limb-Girdle Muscular Dystrophy Type 2B (LGMD2B). Identifiers: Orphanet 268, MedGen C1850889, MONDO:0009676, OMIM 253601.

Submissions (2):

Labcorp Genetics (formerly Invitae), Labcorp
Classification: Pathogenic for Neuromuscular disease caused by qualitative or quantitative defects of dysferlin. Last evaluated: 2022-09-01. Review status: criteria provided, single submitter. Criteria: Invitae Variant Classification Sherloc (09022015). Collection method: clinical testing. Allele origin: germline.
Comment: For these reasons, this variant has been classified as Pathogenic. Algorithms developed to predict the effect of sequence changes on RNA splicing suggest that this variant may disrupt the consensus splice site. ClinVar contains an entry for this variant (Variation ID: 557945). Disruption of this splice site has been observed in individual(s) with dysferlinopathy (PMID: 16010686, 18853459). This variant is not present in population databases (gnomAD no frequency). This sequence change affects a donor splice site in intron 34 of the DYSF gene. It is expected to disrupt RNA splicing. Variants that disrupt the donor or acceptor splice site typically lead to a loss of protein function (PMID: 16199547), and loss-of-function variants in DYSF are known to be pathogenic (PMID: 17698709, 20301480).

Counsyl
Classification: Likely pathogenic for Autosomal recessive limb-girdle muscular dystrophy type 2B. Last evaluated: 2018-04-20. Review status: no assertion criteria provided. Collection method: clinical testing. Allele origin: unknown. Not counted in ClinVar's aggregate classification.

Literature cited by the submitters: PubMed 16010686 (cited by Labcorp Genetics (formerly Invitae), Labcorp); PubMed 18853459 (cited by Labcorp Genetics (formerly Invitae), Labcorp and Counsyl); PubMed 16199547 (cited by Labcorp Genetics (formerly Invitae), Labcorp); PubMed 17698709 (cited by Labcorp Genetics (formerly Invitae), Labcorp); PubMed 20301480 (cited by Labcorp Genetics (formerly Invitae), Labcorp); PubMed 25312915 (cited by Counsyl).

NM_001130987.2(DYSF):c.3897+1G>A

Gene: DYSF (dysferlin; plus strand). Cytogenetic location: 2p13.2.
Variant type: single nucleotide variant.
Coding change: c.3897+1G>A on transcript NM_001130987.2 (MANE Select); the canonical splice donor site of the intron after coding-DNA position 3897, G replaced by A.
Molecular consequence: splice donor variant.
Genome position (GRCh38, 1-based): chr2:71,600,843, G>A. VCF-style: chr2-71600843-G-A. GRCh37 (hg19) VCF-style: chr2-71827973-G-A.
Other names: c.3936+1G>A (NM_001130979.2); c.3894+1G>A (NM_001130981.2, NM_001130980.2); c.3843+1G>A (NM_001130978.2, NM_003494.4); c.3801+1G>A (NM_001130977.2, NM_001130976.2); c.3939+1G>A (NM_001130982.2); c.3897+1G>A (NM_001130985.2); c.3846+1G>A (NM_001130983.2, NM_001130455.2); c.3804+1G>A (NM_001130984.2, NM_001130986.2).
Identifiers: ClinVar variation 557945 (VCV000557945.9), dbSNP rs1553376691, ClinGen allele CA347225730.
Genomic context (GRCh38, chr2:71,600,843, plus strand): 5'-AGGGGCAGCCAGCCGTCGGGGGAGCTGCTGGCCTCTTTTGAGCTCATCCAGAGAGAGAAG[G>A]TGAGGCTGGTCTATATCCAGATCCAGGAGGCCCAGGCAGGAGTGGGGTGGGGGCCAACCC-3'